The following is an entry in ClinVar:

NM_003000.3(SDHB):c.612C>G (p.Asp204Glu)

Gene: SDHB (succinate dehydrogenase complex iron sulfur subunit B; minus strand). Cytogenetic location: 1p36.13.
Variant type: single nucleotide variant.
Coding change: c.612C>G on transcript NM_003000.3 (MANE Select); coding-DNA position 612, C replaced by G.
Protein change: p.Asp204Glu; replaces aspartic acid 204 with glutamic acid.
Molecular consequence: missense variant.
Genome position (GRCh38, 1-based): chr1:17,024,003, G>C on the plus strand (C>G on the coding strand, the complement: SDHB is on the minus strand). VCF-style: chr1-17024003-G-C. GRCh37 (hg19) VCF-style: chr1-17350498-G-C.
Other names: short protein forms D204E.
Identifiers: ClinVar variation 459160 (VCV000459160.13), dbSNP rs1553177433, ClinGen allele CA338270995.

ClinVar aggregate classification (germline): Uncertain significance. Review status: criteria provided, multiple submitters, no conflicts (2 of 4 stars). 3 submissions from 3 submitters: Uncertain significance (3). Last evaluated 2026-04-22.

Conditions:
Hereditary cancer-predisposing syndrome. Also called: Tumor predisposition; Hereditary neoplastic syndrome; Neoplastic Syndromes, Hereditary; Hereditary Cancer Syndrome. Identifiers: Orphanet 140162, MedGen C0027672, MeSH D009386, MONDO:0015356.
Pheochromocytoma. Also called: MAX-Related Hereditary Paraganglioma-Pheochromocytoma Syndrome. Identifiers: Orphanet 29072, MedGen C0031511, MONDO:0008233, OMIM 171300, HP:0002666.
Pheochromocytoma/paraganglioma syndrome 4. Also called: SDHB-Related Hereditary Paraganglioma-Pheochromocytoma Syndrome (Paragangliomas 4); CAROTID BODY TUMORS AND MULTIPLE EXTRAADRENAL PHEOCHROMOCYTOMAS; PARAGANGLIOMA, FAMILIAL MALIGNANT; PARAGANGLIOMAS, HEREDITARY EXTRAADRENAL; SDHB-Related Hereditary Paraganglioma-Pheochromocytoma Syndrome; PHEOCHROMOCYTOMA, FAMILIAL EXTRAADRENAL. Identifiers: Orphanet 29072, MedGen C1861848, MONDO:0007273, OMIM 115310.
Gastrointestinal stromal tumor. Also called: Gastrointestinal stroma tumor; Gastrointestinal stromal tumor, somatic. Identifiers: Orphanet 44890, MedGen C0238198, MeSH D046152, MONDO:0011719, OMIM 606764, HP:0100723.

Submissions (3):

Women's Health and Genetics/Laboratory Corporation of America, LabCorp
Classification: Uncertain significance. Last evaluated: 2026-04-22. Review status: criteria provided, single submitter. Criteria: LabCorp Variant Classification Summary - May 2015. Collection method: clinical testing. Allele origin: germline.
Comment: Variant summary: SDHB c.612C>G (p.Asp204Glu) results in a conservative amino acid change in the encoded protein sequence. Algorithms developed to predict the effect of missense changes on protein structure and function are either unavailable or do not agree on the potential impact of this missense change. The variant was absent in 251320 control chromosomes. The available data on variant occurrences in the general population are insufficient to allow any conclusion about variant significance. To our knowledge, no occurrence of c.612C>G in individuals affected with SDHB-related conditions and no experimental evidence demonstrating its impact on protein function have been reported. ClinVar contains an entry for this variant (Variation ID: 459160). Based on the evidence outlined above, the variant was classified as uncertain significance.

Ambry Genetics
Classification: Uncertain significance for Hereditary cancer-predisposing syndrome. Last evaluated: 2025-03-12. Review status: criteria provided, single submitter. Criteria: Ambry Variant Classification Scheme 2023. Collection method: clinical testing. Allele origin: germline.
Comment: The p.D204E variant (also known as c.612C>G), located in coding exon 6 of the SDHB gene, results from a C to G substitution at nucleotide position 612. The aspartic acid at codon 204 is replaced by glutamic acid, an amino acid with highly similar properties. This amino acid position is highly conserved in available vertebrate species. In addition, this alteration is predicted to be deleterious by in silico analysis. Based on the available evidence, the clinical significance of this variant remains unclear.

Labcorp Genetics (formerly Invitae), Labcorp
Classification: Uncertain significance for Gastrointestinal stromal tumor; Pheochromocytoma/paraganglioma syndrome 4; Pheochromocytoma. Last evaluated: 2025-03-12. Review status: criteria provided, single submitter. Criteria: Invitae Variant Classification Sherloc (09022015). Collection method: clinical testing. Allele origin: germline.
Comment: This sequence change replaces aspartic acid, which is acidic and polar, with glutamic acid, which is acidic and polar, at codon 204 of the SDHB protein (p.Asp204Glu). This variant is not present in population databases (gnomAD no frequency). This variant has not been reported in the literature in individuals affected with SDHB-related conditions. ClinVar contains an entry for this variant (Variation ID: 459160). Invitae Evidence Modeling of protein sequence and biophysical properties (such as structural, functional, and spatial information, amino acid conservation, physicochemical variation, residue mobility, and thermodynamic stability) indicates that this missense variant is not expected to disrupt SDHB protein function with a negative predictive value of 80%. In summary, the available evidence is currently insufficient to determine the role of this variant in disease. Therefore, it has been classified as a Variant of Uncertain Significance.